The following is an entry in ClinVar:

NM_002878.4(RAD51D):c.890A>G (p.Lys297Arg)

Genes: RAD51D (RAD51 paralog D; minus strand), RAD51L3-RFFL (RAD51L3-RFFL readthrough; minus strand). Cytogenetic location: 17q12.
Variant type: single nucleotide variant.
Coding change: c.890A>G on transcript NM_002878.4 (MANE Select); coding-DNA position 890, A replaced by G.
Protein change: p.Lys297Arg; replaces lysine 297 with arginine.
Molecular consequence: missense variant. On other transcripts: non-coding transcript variant (3).
Genome position (GRCh38, 1-based): chr17:35,101,214, T>C on the plus strand (A>G on the coding strand, the complement: RAD51D is on the minus strand). VCF-style: chr17-35101214-T-C. GRCh37 (hg19) VCF-style: chr17-33428233-T-C.
Other names: c.950A>G, p.Lys317Arg (NM_001142571.2); c.554A>G, p.Lys185Arg (NM_133629.3); short protein forms K297R, K317R, K185R.
Identifiers: ClinVar variation 2114539 (VCV002114539.4), dbSNP rs2142410956, ClinGen allele CA399086303.

ClinVar aggregate classification (germline): Uncertain significance (1 of 4 stars; one submission).

Conditions:
Breast-ovarian cancer, familial, susceptibility to, 4. Identifiers: Orphanet 145, MedGen C3280345, MONDO:0013669, OMIM 614291.

Submission:

Labcorp Genetics (formerly Invitae), Labcorp
Classification: Uncertain significance for Breast-ovarian cancer, familial, susceptibility to, 4. Last evaluated: 2022-03-19. Review status: criteria provided, single submitter. Criteria: Invitae Variant Classification Sherloc (09022015). Collection method: clinical testing. Allele origin: germline.
Comment: This variant has not been reported in the literature in individuals affected with RAD51D-related conditions. In summary, the available evidence is currently insufficient to determine the role of this variant in disease. Therefore, it has been classified as a Variant of Uncertain Significance. Algorithms developed to predict the effect of missense changes on protein structure and function are either unavailable or do not agree on the potential impact of this missense change (SIFT: "Tolerated"; PolyPhen-2: "Probably Damaging"; Align-GVGD: "Class C0"). This variant is not present in population databases (gnomAD no frequency). This sequence change replaces lysine, which is basic and polar, with arginine, which is basic and polar, at codon 297 of the RAD51D protein (p.Lys297Arg).